The following is an entry in ClinVar:

ClinVar aggregate classification (germline): Uncertain significance (1 of 4 stars; one submission).

Conditions:
Tyrosinemia type I (TYRSN1). Also called: HEPATORENAL TYROSINEMIA; Tyrosinemia type 1; Fumarylacetoacetase deficiency; Deficiency of fumarylacetoacetase; FAH DEFICIENCY. Identifiers: Orphanet 882, MedGen C0268490, MONDO:0010161, OMIM 276700. Disease mechanism: loss of function.

Allele frequency attached by ClinVar (database versions not stated): TOPMed below 0.00001.

Submission:

Labcorp Genetics (formerly Invitae), Labcorp
Classification: Uncertain significance for Tyrosinemia type I. Last evaluated: 2019-11-05. Review status: criteria provided, single submitter. Criteria: Invitae Variant Classification Sherloc (09022015). Collection method: clinical testing. Allele origin: germline.
Comment: In summary, the available evidence is currently insufficient to determine the role of this variant in disease. Therefore, it has been classified as a Variant of Uncertain Significance. This sequence change replaces valine with glycine at codon 91 of the FAH protein (p.Val91Gly). The valine residue is weakly conserved and there is a moderate physicochemical difference between valine and glycine. This variant is not present in population databases (ExAC no frequency). This variant has not been reported in the literature in individuals with FAH-related conditions. Algorithms developed to predict the effect of missense changes on protein structure and function (SIFT, PolyPhen-2, Align-GVGD) all suggest that this variant is likely to be tolerated, but these predictions have not been confirmed by published functional studies and their clinical significance is uncertain.

NM_000137.4(FAH):c.272T>G (p.Val91Gly)

Gene: FAH (fumarylacetoacetate hydrolase; plus strand). Cytogenetic location: 15q25.1.
Variant type: single nucleotide variant.
Coding change: c.272T>G on transcript NM_000137.4 (MANE Select); coding-DNA position 272, T replaced by G.
Protein change: p.Val91Gly; replaces valine 91 with glycine.
Molecular consequence: missense variant.
Genome position (GRCh38, 1-based): chr15:80,159,835, T>G. VCF-style: chr15-80159835-T-G. GRCh37 (hg19) VCF-style: chr15-80452177-T-G.
Other names: c.272T>G, p.Val91Gly (NM_001374377.1, NM_001374380.1); short protein forms V91G.
Identifiers: ClinVar variation 965738 (VCV000965738.9), dbSNP rs1344024365, ClinGen allele CA393619020.